The following is an entry in ClinVar:

NM_002474.3(MYH11):c.953C>T (p.Pro318Leu)

Gene: MYH11 (myosin heavy chain 11; minus strand). Cytogenetic location: 16p13.11.
Variant type: single nucleotide variant.
Coding change: c.953C>T on transcript NM_002474.3 (MANE Select); coding-DNA position 953, C replaced by T.
Protein change: p.Pro318Leu; replaces proline 318 with leucine.
Molecular consequence: missense variant.
Genome position (GRCh38, 1-based): chr16:15,771,649, G>A on the plus strand (C>T on the coding strand, the complement: MYH11 is on the minus strand). VCF-style: chr16-15771649-G-A. GRCh37 (hg19) VCF-style: chr16-15865506-G-A.
Other names: c.974C>T, p.Pro325Leu (NM_001040113.2, NM_001040114.2); c.953C>T, p.Pro318Leu (NM_022844.3); short protein forms P318L, P325L.
Identifiers: ClinVar variation 628734 (VCV000628734.7), dbSNP rs1567747453, ClinGen allele CA394867901.

ClinVar aggregate classification (germline): Uncertain significance. Review status: criteria provided, multiple submitters, no conflicts (2 of 4 stars). 2 submissions from 2 submitters: Uncertain significance (2). Last evaluated 2024-11-15.

Conditions:
Familial thoracic aortic aneurysm and aortic dissection (TAAD). Also called: Thoracic aortic aneurysms and dissections. Identifiers: Orphanet 91387, MedGen C4707243, MONDO:0019625.

Allele frequency attached by ClinVar (database versions not stated): gnomAD exomes below 0.00001.
gnomAD v4.1: 4 of 1,613,990 alleles (0.00025%); highest among the groups gnomAD compares: Non-Finnish European, 0.00034%; no homozygotes.

Submissions (2):

Women's Health and Genetics/Laboratory Corporation of America, LabCorp
Classification: Uncertain significance. Last evaluated: 2024-11-15. Review status: criteria provided, single submitter. Criteria: LabCorp Variant Classification Summary - May 2015. Collection method: clinical testing. Allele origin: germline.

Color Diagnostics, LLC DBA Color Health
Classification: Uncertain significance for Familial thoracic aortic aneurysm and aortic dissection. Last evaluated: 2023-12-05. Review status: criteria provided, single submitter. Criteria: ACMG Guidelines, 2015. Collection method: clinical testing. Allele origin: germline.
Comment: Variant of Uncertain Significance due to insufficient evidence: This missense variant is located in the myosin motor domain of the MYH11 protein. Computational prediction tools and conservation analyses suggest that this variant may have deleterious impact on the protein function. Computational splicing tools suggest that this variant may not impact RNA splicing. To our knowledge, functional assays have not been performed for this variant nor has this variant been reported in individuals affected with cardiovascular disorders in the literature. This variant is rare in the general population and has been identified in 0/277264 chromosomes by the Genome Aggregation Database (gnomAD). Available evidence is insufficient to determine the role of this variant in disease conclusively.